The following is an entry in ClinVar:

ClinVar aggregate classification (germline): Uncertain significance (1 of 4 stars; one submission).

Conditions:
Aortic aneurysm, familial thoracic 4 (AAT4). Also called: AORTIC ANEURYSM/AORTIC DISSECTION AND PATENT DUCTUS ARTERIOSUS. Identifiers: MedGen C1851504, MONDO:0007568, OMIM 132900.

Submission:

Labcorp Genetics (formerly Invitae), Labcorp
Classification: Uncertain significance for Aortic aneurysm, familial thoracic 4. Last evaluated: 2020-12-25. Review status: criteria provided, single submitter. Criteria: Invitae Variant Classification Sherloc (09022015). Collection method: clinical testing. Allele origin: germline.
Comment: In summary, the available evidence is currently insufficient to determine the role of this variant in disease. Therefore, it has been classified as a Variant of Uncertain Significance. Algorithms developed to predict the effect of missense changes on protein structure and function are either unavailable or do not agree on the potential impact of this missense change (SIFT: "Deleterious"; PolyPhen-2: "Benign"; Align-GVGD: "Class C0"). This variant has not been reported in the literature in individuals with MYH11-related conditions. This variant is not present in population databases (ExAC no frequency). This sequence change replaces glutamine with histidine at codon 958 of the MYH11 protein (p.Gln958His). The glutamine residue is highly conserved and there is a small physicochemical difference between glutamine and histidine.

NM_002474.3(MYH11):c.2853G>C (p.Gln951His)

Gene: MYH11 (myosin heavy chain 11; minus strand). Cytogenetic location: 16p13.11.
Variant type: single nucleotide variant.
Coding change: c.2853G>C on transcript NM_002474.3 (MANE Select); coding-DNA position 2853, G replaced by C.
Protein change: p.Gln951His; replaces glutamine 951 with histidine.
Molecular consequence: missense variant.
Genome position (GRCh38, 1-based): chr16:15,741,469, C>G on the plus strand (G>C on the coding strand, the complement: MYH11 is on the minus strand). VCF-style: chr16-15741469-C-G. GRCh37 (hg19) VCF-style: chr16-15835326-C-G.
Other names: c.2874G>C, p.Gln958His (NM_001040113.2, NM_001040114.2); c.2853G>C, p.Gln951His (NM_022844.3); short protein forms Q951H, Q958H.
Identifiers: ClinVar variation 1482273 (VCV001482273.8), dbSNP rs2151250272, ClinGen allele CA394864907.